The following is an entry in ClinVar:

NM_002693.3(POLG):c.158_166del (p.Gln53_Gln55del)

Genes: POLG (DNA polymerase gamma, catalytic subunit; minus strand), POLGARF (POLG alternative reading frame; minus strand). Cytogenetic location: 15q26.1.
Variant type: Deletion.
Coding change: c.158_166del on transcript NM_002693.3 (MANE Select); coding-DNA positions 158 to 166, 9 bases deleted (AACAGCAGC; older notation c.158_166delAACAGCAGC).
Protein change: p.Gln53_Gln55del.
Molecular consequence: inframe deletion.
Genome position (GRCh38, 1-based): chr15:89,333,589-89,333,597, GCTGCTGTT deleted on the plus strand (AACAGCAGC on the coding strand, the reverse complement: POLG is on the minus strand); deleting any 9 consecutive bases within chr15:89,333,589-89,333,604 gives the same sequence; the c. name uses the placement nearest the transcript's 3' end. VCF-style (leftmost placement, unchanged base first): chr15-89333588-GGCTGCTGTT-G. GRCh37 (hg19) VCF-style: chr15-89876819-GGCTGCTGTT-G.
Other names: p.Gln53_Gln55del; c.158_166delAACAGCAGC (NM_002693.3, NM_002693.2); c.158_166del, p.Gln53_Gln55del (NM_001126131.2).
Identifiers: ClinVar variation 501355 (VCV000501355.26), dbSNP rs769735492, ClinGen allele CA7725171.
Genomic context (GRCh38, chr15:89,333,588, plus strand): 5'-ATGTCCAATGGGTTGTGCCGCAGCTGCCCGCCCTCCGAGGATAGCACTTGCGGCTGCTGA[GGCTGCTGTT>G]GCTGCTGCTGCTGCTGCTGCTGCTGCTGCTGCCGCCGCCGCTGCCCGTCGCTGGGGTCGG-3'

ClinVar aggregate classification (germline): Conflicting classifications of pathogenicity. Review status: criteria provided, conflicting classifications (1 of 4 stars). 9 submissions from 9 submitters: Uncertain significance (3); Benign (1); Likely benign (5). Last evaluated 2026-07-13.

Conditions:
Inborn genetic diseases. Identifiers: MedGen C0950123, MeSH D030342.
POLG-related disorder. Also called: POLG-related condition; POLG-Related Disorders; POLG-Related Spectrum Disorders. Identifiers: MedGen C4763519.
Progressive sclerosing poliodystrophy (MTDPS4A). Also called: Alpers Syndrome; ALPERS DIFFUSE DEGENERATION OF CEREBRAL GRAY MATTER WITH HEPATIC CIRRHOSIS; Alpers-Huttenlocher Syndrome; Mitochondrial DNA depletion syndrome 4A (Alpers type); Mitochondrial DNA Depletion Syndrome 4A; Alpers-Huttenlocher Syndrome (AHS). Identifiers: Orphanet 726, MedGen C0205710, MONDO:0008758, OMIM 203700.

Submissions (9):

PreventionGenetics, part of Exact Sciences
Classification: Uncertain significance for POLG-related condition. Last evaluated: 2026-07-13. Review status: criteria provided, single submitter. Criteria: ACMG Guidelines, 2015. Collection method: clinical testing. Allele origin: germline.
Comment: The POLG c.158_166del9 variant is predicted to result in an in-frame deletion (p.Gln53_Gln55del). This variant deletes three glutamine (Gln) residues from a glutamine track in POLG. To our knowledge, this variant has not been reported in the literature. This variant is reported in 0.016% of alleles in individuals of East Asian descent in gnomAD. There have been some provisional studies suggesting that alterations of this Gln track may be associated with Parkinson's disease and testicular cancer; however, the overall clinical significance of these variants is not fully understood at this time (Chan and Copeland. 2010. PubMed ID: 19010300). Although we suspect that this variant may be benign, at this time, the clinical significance of this variant is uncertain due to the absence of conclusive functional and genetic evidence.

Women's Health and Genetics/Laboratory Corporation of America, LabCorp
Classification: Uncertain significance. Last evaluated: 2025-12-09. Review status: criteria provided, single submitter. Criteria: LabCorp Variant Classification Summary - May 2015. Collection method: clinical testing. Allele origin: germline.
Comment: Variant summary: POLG c.158_166delAACAGCAGC (p.Gln53_Gln55del) results in an in-frame deletion that is predicted to remove 3 amino acids from the encoded protein. The variant allele was found at a frequency of 6.7e-05 in 238304 control chromosomes. This frequency is not significantly higher than estimated for disease-causing variants in POLG, allowing no conclusion about variant significance. To our knowledge, c.158_166delAACAGCAGC has not been observed in individual(s) affected with POLG-Related Spectrum Disorders, and different variants with similar protein effects do not provide adequate evidence for use in scoring the present variant (PMID: 18716558, 30818899, 36597107). These report(s) do not provide unequivocal conclusions about association of the variant with POLG-Related Spectrum Disorders. To our knowledge, no experimental evidence demonstrating an impact on protein function has been reported. The following publications have been ascertained in the context of this evaluation (PMID: 31664448, 18716558, 30818899, 36597107). ClinVar contains an entry for this variant (Variation ID: 501355). Based on the evidence outlined above, the variant was classified as uncertain significance.

Labcorp Genetics (formerly Invitae), Labcorp
Classification: Likely benign for Progressive sclerosing poliodystrophy. Last evaluated: 2025-11-20. Review status: criteria provided, single submitter. Criteria: Invitae Variant Classification Sherloc (09022015). Collection method: clinical testing. Allele origin: germline.

Mayo Clinic Laboratories, Mayo Clinic
Classification: Likely benign. Last evaluated: 2025-08-19. Review status: criteria provided, single submitter. Criteria: ACMG Guidelines, 2015. Collection method: clinical testing. Allele origin: germline. Observed: 2 variant alleles.
Comment: BP3

Blueprint Genetics
Classification: Likely benign. Last evaluated: 2024-08-29. Review status: criteria provided, single submitter. Criteria: ACMG Guidelines, 2015. Collection method: clinical testing. Allele origin: germline.

Athena Diagnostics
Classification: Uncertain significance. Last evaluated: 2019-08-08. Review status: criteria provided, single submitter. Criteria: Athena Diagnostics Criteria. Collection method: clinical testing. Allele origin: germline.

Ambry Genetics
Classification: Likely benign for Inborn genetic diseases. Last evaluated: 2017-05-31. Review status: criteria provided, single submitter. Criteria: Ambry Variant Classification Scheme 2023. Collection method: clinical testing. Allele origin: germline.

Eurofins Ntd Llc (ga)
Classification: Likely benign. Last evaluated: 2017-04-10. Review status: criteria provided, single submitter. Criteria: EGL Classification Definitions 2015. Collection method: clinical testing. Allele origin: germline. Observed: 1 variant allele, 1 heterozygote.

GeneDx
Classification: Benign. Last evaluated: 2015-03-03. Review status: criteria provided, single submitter. Criteria: GeneDx Variant Classification Process June 2021. Collection method: clinical testing. Allele origin: germline. Affected: yes.

Literature cited by the submitters: PubMed 31664448 (cited by Women's Health and Genetics/Laboratory Corporation of America, LabCorp); PubMed 18716558 (cited by Women's Health and Genetics/Laboratory Corporation of America, LabCorp); PubMed 36597107 (cited by Women's Health and Genetics/Laboratory Corporation of America, LabCorp); PubMed 30818899 (cited by Women's Health and Genetics/Laboratory Corporation of America, LabCorp).